The following is an entry in ClinVar:

ClinVar aggregate classification (germline): Uncertain significance (1 of 4 stars; one submission).

Conditions:
Gastrointestinal stromal tumor. Also called: Gastrointestinal stromal tumor, somatic; Gastrointestinal stroma tumor. Identifiers: Orphanet 44890, MedGen C0238198, MeSH D046152, MONDO:0011719, OMIM 606764, HP:0100723.

Submission:

Labcorp Genetics (formerly Invitae), Labcorp
Classification: Uncertain significance for Gastrointestinal stromal tumor. Last evaluated: 2025-08-06. Review status: criteria provided, single submitter. Criteria: Invitae Variant Classification Sherloc (09022015). Collection method: clinical testing. Allele origin: germline.
Comment: This sequence change replaces threonine, which is neutral and polar, with alanine, which is neutral and non-polar, at codon 806 of the KIT protein (p.Thr806Ala). This variant is not present in population databases (gnomAD no frequency). This variant has not been reported in the literature in individuals affected with KIT-related conditions. ClinVar contains an entry for this variant (Variation ID: 961090). An algorithm developed to predict the effect of missense changes on protein structure and function (PolyPhen-2) suggests that this variant is likely to be disruptive. In summary, the available evidence is currently insufficient to determine the role of this variant in disease. Therefore, it has been classified as a Variant of Uncertain Significance.

NM_000222.3(KIT):c.2416A>G (p.Thr806Ala)

Gene: KIT (KIT proto-oncogene, receptor tyrosine kinase; plus strand). Cytogenetic location: 4q12.
Variant type: single nucleotide variant.
Coding change: c.2416A>G on transcript NM_000222.3 (MANE Select); coding-DNA position 2416, A replaced by G.
Protein change: p.Thr806Ala; replaces threonine 806 with alanine.
Molecular consequence: missense variant.
Genome position (GRCh38, 1-based): chr4:54,733,124, A>G. VCF-style: chr4-54733124-A-G. GRCh37 (hg19) VCF-style: chr4-55599290-A-G.
Other names: c.2404A>G, p.Thr802Ala (NM_001093772.2, NM_001385292.1); c.2419A>G, p.Thr807Ala (NM_001385284.1); c.2413A>G, p.Thr805Ala (NM_001385285.1); c.2401A>G, p.Thr801Ala (NM_001385286.1); c.2407A>G, p.Thr803Ala (NM_001385288.1); c.2416A>G, p.Thr806Ala (NM_001385290.1); short protein forms T806A, T802A, T801A, T803A, T805A, T807A.
Identifiers: ClinVar variation 961090 (VCV000961090.10), dbSNP rs1722711199, ClinGen allele CA356911675.
Genomic context (GRCh38, chr4:54,733,124, plus strand): 5'-TAATAGTGTATTCACAGAGACTTGGCAGCCAGAAATATCCTCCTTACTCATGGTCGGATC[A>G]CAAAGATTTGTGATTTTGGTCTAGCCAGAGACATCAAGAATGATTCTAATTATGTGGTTA-3'
Protein context (NP_000213.1, residues 796-816): RNILLTHGRI[Thr806Ala]KICDFGLARD